The following is an entry in ClinVar:

ClinVar aggregate classification (germline): Uncertain significance (1 of 4 stars; one submission).

Allele frequency attached by ClinVar (database versions not stated): gnomAD exomes 0.00001.
gnomAD v4.1: 6 of 858,212 alleles (0.0007%); highest among the groups gnomAD compares: Non-Finnish European, 0.00085%; no homozygotes.

Submission:

Labcorp Genetics (formerly Invitae), Labcorp
Classification: Uncertain significance. Last evaluated: 2025-07-07. Review status: criteria provided, single submitter. Criteria: Invitae Variant Classification Sherloc (09022015). Collection method: clinical testing. Allele origin: germline.
Comment: This sequence change replaces proline, which is neutral and non-polar, with arginine, which is basic and polar, at codon 2416 of the PCLO protein (p.Pro2416Arg). This variant is not present in population databases (gnomAD no frequency). This variant has not been reported in the literature in individuals affected with PCLO-related conditions. ClinVar contains an entry for this variant (Variation ID: 1350124). Experimental studies and prediction algorithms are not available or were not evaluated, and the functional significance of this variant is currently unknown. In summary, the available evidence is currently insufficient to determine the role of this variant in disease. Therefore, it has been classified as a Variant of Uncertain Significance.

NM_033026.6(PCLO):c.7247C>G (p.Pro2416Arg)

Gene: PCLO (piccolo presynaptic cytomatrix protein; minus strand). Cytogenetic location: 7q21.11.
Variant type: single nucleotide variant.
Coding change: c.7247C>G on transcript NM_033026.6 (MANE Select); coding-DNA position 7247, C replaced by G.
Protein change: p.Pro2416Arg; replaces proline 2416 with arginine.
Molecular consequence: missense variant.
Genome position (GRCh38, 1-based): chr7:82,953,706, G>C on the plus strand (C>G on the coding strand, the complement: PCLO is on the minus strand). VCF-style: chr7-82953706-G-C. GRCh37 (hg19) VCF-style: chr7-82583022-G-C.
Other names: c.7247C>G, p.Pro2416Arg (NM_014510.3); short protein forms P2416R.
Identifiers: ClinVar variation 1350124 (VCV001350124.6), dbSNP rs2116442000, ClinGen allele CA367917387.